The following is an entry in ClinVar:

ClinVar aggregate classification (germline): Uncertain significance (1 of 4 stars; one submission).

Allele frequency attached by ClinVar (database versions not stated): gnomAD exomes below 0.00001.
gnomAD v4.1: 1 of 1,613,872 alleles (0.000062%); highest among the groups gnomAD compares: Non-Finnish European, 0.000085%; no homozygotes.

Submission:

GeneDx
Classification: Uncertain significance. Last evaluated: 2019-08-21. Review status: criteria provided, single submitter. Criteria: GeneDx Variant Classification Process June 2021. Collection method: clinical testing. Allele origin: germline. Affected: yes.
Comment: Not observed in large population cohorts (Lek et al., 2016); In silico analysis, which includes protein predictors and evolutionary conservation, supports a deleterious effect; Has not been previously published as pathogenic or benign to our knowledge

NM_183357.3(ADCY5):c.2848C>T (p.Pro950Ser)

Gene: ADCY5 (adenylate cyclase 5; minus strand). Cytogenetic location: 3q21.1.
Variant type: single nucleotide variant.
Coding change: c.2848C>T on transcript NM_183357.3 (MANE Select); coding-DNA position 2848, C replaced by T.
Protein change: p.Pro950Ser; replaces proline 950 with serine.
Molecular consequence: missense variant.
Genome position (GRCh38, 1-based): chr3:123,300,172, G>A on the plus strand (C>T on the coding strand, the complement: ADCY5 is on the minus strand). VCF-style: chr3-123300172-G-A. GRCh37 (hg19) VCF-style: chr3-123019019-G-A.
Other names: c.1798C>T, p.Pro600Ser (NM_001199642.1); c.2848C>T, p.Pro950Ser (NM_001378259.1); short protein forms P600S, P950S.
Identifiers: ClinVar variation 1308166 (VCV001308166.2), dbSNP rs1939759887, ClinGen allele CA354224664.